The following is an entry in ClinVar:

ClinVar aggregate classification (germline): Pathogenic (1 of 4 stars; one submission).

Conditions:
Mucolipidosis type IV (ML4). Also called: ML IV. Identifiers: Orphanet 578, MedGen C0238286, MONDO:0009653, OMIM 252650.

Submission:

Labcorp Genetics (formerly Invitae), Labcorp
Classification: Pathogenic for Mucolipidosis type IV. Last evaluated: 2022-06-13. Review status: criteria provided, single submitter. Criteria: Invitae Variant Classification Sherloc (09022015). Collection method: clinical testing. Allele origin: germline.
Comment: For these reasons, this variant has been classified as Pathogenic. This variant disrupts a region of the MCOLN1 protein in which other variant(s) (p.Ala539Profs*41) have been determined to be pathogenic (PMID: 18326692). This suggests that this is a clinically significant region of the protein, and that variants that disrupt it are likely to be disease-causing. This variant has not been reported in the literature in individuals affected with MCOLN1-related conditions. This variant is not present in population databases (gnomAD no frequency). This sequence change creates a premature translational stop signal (p.Ile524Serfs*56) in the MCOLN1 gene. While this is not anticipated to result in nonsense mediated decay, it is expected to disrupt the last 57 amino acid(s) of the MCOLN1 protein.

Literature cited by the submitters: PubMed 18326692.

NM_020533.3(MCOLN1):c.1569del (p.Ile524fs)

Gene: MCOLN1 (mucolipin TRP cation channel 1; plus strand). Cytogenetic location: 19p13.2.
Variant type: Deletion.
Coding change: c.1569del on transcript NM_020533.3 (MANE Select); coding-DNA position 1569, one base deleted (C; older notation c.1569delC).
Protein change: p.Ile524fs; shifts the reading frame from isoleucine 524.
Molecular consequence: frameshift variant.
Genome position (GRCh38, 1-based): chr19:7,530,495, C deleted; the last of 2 consecutive C bases (chr19:7,530,494-7,530,495); deleting either gives the same sequence. VCF-style (leftmost placement, unchanged base first): chr19-7530493-AC-A. GRCh37 (hg19) VCF-style: chr19-7595379-AC-A.
Other names: short protein forms I524fs.
Identifiers: ClinVar variation 2005775 (VCV002005775.4), dbSNP rs2512474534, ClinGen allele CA2580097202.